The following is an entry in ClinVar:

ClinVar aggregate classification (germline): Conflicting classifications of pathogenicity. Review status: criteria provided, conflicting classifications (1 of 4 stars). 2 submissions from 2 submitters: Uncertain significance (1); Likely benign (1). Last evaluated 2026-09-01.

Allele frequency attached by ClinVar (database versions not stated): gnomAD 0.00001; gnomAD exomes 0.00001; ExAC 0.00002.

Submissions (2):

CeGaT Center for Human Genetics Tuebingen
Classification: Likely benign. Last evaluated: 2026-09-01. Review status: criteria provided, single submitter. Criteria: CeGaT Center For Human Genetics Tuebingen Variant Classification Criteria Version 2. Collection method: clinical testing. Allele origin: germline. Affected: yes. Observed: 1 variant allele.
Comment: TRIM8: BS2

Labcorp Genetics (formerly Invitae), Labcorp
Classification: Uncertain significance. Last evaluated: 2023-11-25. Review status: criteria provided, single submitter. Criteria: Invitae Variant Classification Sherloc (09022015). Collection method: clinical testing. Allele origin: germline.
Comment: This sequence change replaces arginine, which is basic and polar, with histidine, which is basic and polar, at codon 489 of the TRIM8 protein (p.Arg489His). This variant is present in population databases (rs765302643, gnomAD 0.007%). This variant has not been reported in the literature in individuals affected with TRIM8-related conditions. An algorithm developed to predict the effect of missense changes on protein structure and function (PolyPhen-2) suggests that this variant is likely to be disruptive. In summary, the available evidence is currently insufficient to determine the role of this variant in disease. Therefore, it has been classified as a Variant of Uncertain Significance.

NM_030912.3(TRIM8):c.1466G>A (p.Arg489His)

Gene: TRIM8 (tripartite motif containing 8; plus strand). Cytogenetic location: 10q24.32.
Variant type: single nucleotide variant.
Coding change: c.1466G>A on transcript NM_030912.3 (MANE Select); coding-DNA position 1466, G replaced by A.
Protein change: p.Arg489His; replaces arginine 489 with histidine.
Molecular consequence: missense variant. On other transcripts: non-coding transcript variant (1).
Genome position (GRCh38, 1-based): chr10:102,657,164, G>A. VCF-style: chr10-102657164-G-A. GRCh37 (hg19) VCF-style: chr10-104416921-G-A.
Other names: c.1370G>A, p.Arg457His (NM_001345950.1); short protein forms R457H, R489H.
Identifiers: ClinVar variation 2964991 (VCV002964991.4), dbSNP rs765302643, ClinGen allele CA5668326.
Genomic context (GRCh38, chr10:102,657,164, plus strand): 5'-CTGTGGACAACTGTTACTGTTCTTCCGTGGCCAACCATGGCGGCCACCAGCCCTACCCCC[G>A]CTCCGGCCACTTTCCCTGGACAGTGCCCTCGCAGGAGTACTCACACCCGCTCCCGCCCAC-3'
Protein context (NP_112174.2, residues 479-499): ANHGGHQPYP[Arg489His]SGHFPWTVPS